The following is an entry in ClinVar:

NM_000548.5(TSC2):c.3503A>G (p.Lys1168Arg)

Gene: TSC2 (TSC complex subunit 2; plus strand). Cytogenetic location: 16p13.3.
Variant type: single nucleotide variant.
Coding change: c.3503A>G on transcript NM_000548.5 (MANE Select); coding-DNA position 3503, A replaced by G.
Protein change: p.Lys1168Arg; replaces lysine 1168 with arginine.
Molecular consequence: missense variant. On other transcripts: non-coding transcript variant (5).
Genome position (GRCh38, 1-based): chr16:2,080,270, A>G. VCF-style: chr16-2080270-A-G. GRCh37 (hg19) VCF-style: chr16-2130271-A-G.
Other names: c.3371A>G, p.Lys1124Arg (NM_001077183.3, NM_001370404.1, NM_001406665.1); c.3503A>G, p.Lys1168Arg (NM_001114382.3); c.3263A>G, p.Lys1088Arg (NM_001318827.2); c.3227A>G, p.Lys1076Arg (NM_001318829.2); c.2771A>G, p.Lys924Arg (NM_001318831.2, NM_001406687.1, NM_001406688.1); c.3404A>G, p.Lys1135Arg (NM_001318832.2); c.3374A>G, p.Lys1125Arg (NM_001363528.2, NM_021055.3, NM_001370405.1); c.3353A>G, p.Lys1118Arg (NM_001406676.1); and 18 more; short protein forms K1076R, K1088R, K1105R, K1125R, K1131R, K1135R, K1154R, K720R.
Identifiers: ClinVar variation 2995300 (VCV002995300.4), dbSNP rs2151459132, ClinGen allele CA394289217.

ClinVar aggregate classification (germline): Uncertain significance. Review status: criteria provided, multiple submitters, no conflicts (2 of 4 stars). 2 submissions from 2 submitters: Uncertain significance (2). Last evaluated 2024-03-25.

Conditions:
Tuberous sclerosis 2 (TSC2). Identifiers: Orphanet 805, MedGen C1860707, MONDO:0013199, OMIM 613254.
Isolated focal cortical dysplasia type II (FCORD2). Also called: CORTICAL DYSPLASIA OF TAYLOR; Focal cortical dysplasia type II. Identifiers: Orphanet 268994, MedGen C1846385, MONDO:0011818, OMIM 607341, HP:0032051.

Submissions (2):

Baylor Genetics
Classification: Uncertain significance for Isolated focal cortical dysplasia type II. Last evaluated: 2024-03-25. Review status: criteria provided, single submitter. Criteria: ACMG Guidelines, 2015. Collection method: clinical testing. Allele origin: unknown.

Labcorp Genetics (formerly Invitae), Labcorp
Classification: Uncertain significance for Tuberous sclerosis 2. Last evaluated: 2023-01-24. Review status: criteria provided, single submitter. Criteria: Invitae Variant Classification Sherloc (09022015). Collection method: clinical testing. Allele origin: germline.
Comment: This sequence change replaces lysine, which is basic and polar, with arginine, which is basic and polar, at codon 1168 of the TSC2 protein (p.Lys1168Arg). In summary, the available evidence is currently insufficient to determine the role of this variant in disease. Therefore, it has been classified as a Variant of Uncertain Significance. Advanced modeling of protein sequence and biophysical properties (such as structural, functional, and spatial information, amino acid conservation, physicochemical variation, residue mobility, and thermodynamic stability) performed at Invitae indicates that this missense variant is not expected to disrupt TSC2 protein function. This variant has not been reported in the literature in individuals affected with TSC2-related conditions. This variant is not present in population databases (gnomAD no frequency).